The following is an entry in ClinVar:

NM_024596.5(MCPH1):c.1742A>G (p.Glu581Gly)

Gene: MCPH1 (microcephalin 1; plus strand). Cytogenetic location: 8p23.1.
Variant type: single nucleotide variant.
Coding change: c.1742A>G on transcript NM_024596.5 (MANE Select); coding-DNA position 1742, A replaced by G.
Protein change: p.Glu581Gly; replaces glutamic acid 581 with glycine.
Molecular consequence: missense variant. On other transcripts: non-coding transcript variant (1).
Genome position (GRCh38, 1-based): chr8:6,445,464, A>G. VCF-style: chr8-6445464-A-G. GRCh37 (hg19) VCF-style: chr8-6302985-A-G.
Other names: c.1742A>G, p.Glu581Gly (NM_001172574.2, NM_001322042.2, NM_001363979.1 and 1 more transcripts); c.1598A>G, p.Glu533Gly (NM_001172575.2); c.1736A>G, p.Glu579Gly (NM_001322043.2); c.1640A>G, p.Glu547Gly (NM_001322045.2); short protein forms E581G, E533G, E579G, E547G.
Identifiers: ClinVar variation 158826 (VCV000158826.8), dbSNP rs35402812, ClinGen allele CA271686.

ClinVar aggregate classification (germline): Uncertain significance. Review status: criteria provided, multiple submitters, no conflicts (2 of 4 stars). 2 submissions from 2 submitters: Uncertain significance (2). Last evaluated 2022-06-08.

Conditions:
Microcephaly 1, primary, autosomal recessive (MCPH1). Also called: PREMATURE CHROMOSOME CONDENSATION SYNDROME; PCC SYNDROME; PREMATURE CHROMOSOME CONDENSATION WITH MICROCEPHALY AND MENTAL RETARDATION. Identifiers: Orphanet 2512, MedGen C1855081, MONDO:0009617, OMIM 251200.
Inborn genetic diseases. Identifiers: MedGen C0950123, MeSH D030342.

Allele frequency attached by ClinVar (database versions not stated): ESP Exome Variant Server 0.00025; gnomAD exomes 0.00001 and 0.00005; ExAC 0.00007; gnomAD 0.00011 and 0.00013; TOPMed 0.00015.
gnomAD v4.1: 41 of 1,614,244 alleles (0.0025%); highest among the groups gnomAD compares: African/African-American, 0.048%; 2 homozygotes.

Submissions (2):

Ambry Genetics
Classification: Uncertain significance for Inborn genetic diseases. Last evaluated: 2022-06-08. Review status: criteria provided, single submitter. Criteria: Ambry Variant Classification Scheme 2023. Collection method: clinical testing. Allele origin: germline.
Comment: The c.1742A>G (p.E581G) alteration is located in exon 8 (coding exon 8) of the MCPH1 gene. This alteration results from a A to G substitution at nucleotide position 1742, causing the glutamic acid (E) at amino acid position 581 to be replaced by a glycine (G). The p.E581G alteration is predicted to be tolerated by in silico analysis. Based on insufficient or conflicting evidence, the clinical significance of this alteration remains unclear.

Genetic Services Laboratory, University of Chicago
Classification: Uncertain significance for Microcephaly 1, primary, autosomal recessive. Last evaluated: 2013-03-04. Review status: criteria provided, single submitter. Criteria: ACMG Guidelines, 2007. Collection method: clinical testing. Allele origin: germline. Inheritance: Autosomal recessive inheritance.